The following is an entry in ClinVar:

NM_001330260.2(SCN8A):c.4724C>T (p.Ala1575Val)

Gene: SCN8A (sodium voltage-gated channel alpha subunit 8; plus strand). Cytogenetic location: 12q13.13.
Variant type: single nucleotide variant.
Coding change: c.4724C>T on transcript NM_001330260.2 (MANE Select); coding-DNA position 4724, C replaced by T.
Protein change: p.Ala1575Val; replaces alanine 1575 with valine.
Molecular consequence: missense variant.
Genome position (GRCh38, 1-based): chr12:51,794,570, C>T. VCF-style: chr12-51794570-C-T. GRCh37 (hg19) VCF-style: chr12-52188354-C-T.
Other names: c.4601C>T, p.Ala1534Val (NM_001177984.3, NM_001369788.1); c.4724C>T, p.Ala1575Val (NM_014191.4); short protein forms A1534V, A1575V.
Identifiers: ClinVar variation 955904 (VCV000955904.11), dbSNP rs182326351, ClinGen allele CA236318872.

ClinVar aggregate classification (germline): Uncertain significance. Review status: criteria provided, multiple submitters, no conflicts (2 of 4 stars). 2 submissions from 2 submitters: Uncertain significance (2). Last evaluated 2024-06-17.

Conditions:
Cognitive impairment with or without cerebellar ataxia (CIAT). Identifiers: MedGen C3280415, MONDO:0013680, OMIM 614306.
Seizures, benign familial infantile, 5 (BFIS5). Also called: CONVULSIONS, BENIGN FAMILIAL INFANTILE, 5. Identifiers: Orphanet 306, MedGen C4310728, MONDO:0014903, OMIM 617080.
Developmental and epileptic encephalopathy, 13 (DEE13). Also called: Early infantile epileptic encephalopathy 13; SCN8A-Related Epilepsy; Developmental and Epileptic Encephalopathy (SCN8A-DEE). Identifiers: Orphanet 442835, MedGen C3281191, MONDO:0013801, OMIM 614558.
Myoclonus, familial, 2. Identifiers: MedGen C5193056, MONDO:0100092, OMIM 618364.
Early-infantile DEE. Also called: Ohtahara syndrome; Early infantile epileptic encephalopathy; Early infantile epileptic encephalopathy with suppression bursts. Identifiers: Orphanet 1934, MedGen C0393706, MONDO:0800491.

Allele frequency attached by ClinVar (database versions not stated): gnomAD exomes 0.00001 and below 0.00001; gnomAD 0.00003 and 0.00001; 1000 Genomes Project 30x 0.00016; 1000 Genomes Project 0.00020; TOPMed 0.00004.
gnomAD v4.1: 18 of 1,613,880 alleles (0.0011%); highest among the groups gnomAD compares: East Asian, 0.027%; no homozygotes.

Submissions (2):

Labcorp Genetics (formerly Invitae), Labcorp
Classification: Uncertain significance for Early-infantile DEE. Last evaluated: 2024-06-17. Review status: criteria provided, single submitter. Criteria: Invitae Variant Classification Sherloc (09022015). Collection method: clinical testing. Allele origin: germline.
Comment: This sequence change replaces alanine, which is neutral and non-polar, with valine, which is neutral and non-polar, at codon 1575 of the SCN8A protein (p.Ala1575Val). This variant is present in population databases (rs182326351, gnomAD 0.006%). This variant has not been reported in the literature in individuals affected with SCN8A-related conditions. ClinVar contains an entry for this variant (Variation ID: 955904). Advanced modeling of protein sequence and biophysical properties (such as structural, functional, and spatial information, amino acid conservation, physicochemical variation, residue mobility, and thermodynamic stability) performed at Invitae indicates that this missense variant is expected to disrupt SCN8A protein function with a positive predictive value of 95%. In summary, the available evidence is currently insufficient to determine the role of this variant in disease. Therefore, it has been classified as a Variant of Uncertain Significance.

Juno Genomics, Hangzhou Juno Genomics, Inc
Classification: Uncertain significance for Myoclonus, familial, 2; Cognitive impairment with or without cerebellar ataxia; Developmental and epileptic encephalopathy, 13; Seizures, benign familial infantile, 5. Review status: criteria provided, single submitter. Criteria: ACMG Guidelines, 2015. Collection method: clinical testing. Allele origin: germline.
Comment: Absent from controls (or at extremely low frequency if recessive) in Genome Aggregation Database.;Missense variant in a gene that has a low rate of benign missense variation.;Multiple lines of computational evidence support a deleterious effect on the gene or gene product.;Assumed de novo, but without confirmation of paternity and maternity.